The following is an entry in ClinVar:

NM_000038.6(APC):c.5213A>T (p.His1738Leu)

Gene: APC (APC regulator of Wnt signaling pathway; plus strand). Cytogenetic location: 5q22.2.
Variant type: single nucleotide variant.
Coding change: c.5213A>T on transcript NM_000038.6 (MANE Select); coding-DNA position 5213, A replaced by T.
Protein change: p.His1738Leu; replaces histidine 1738 with leucine.
Molecular consequence: missense variant.
Genome position (GRCh38, 1-based): chr5:112,840,807, A>T. VCF-style: chr5-112840807-A-T. GRCh37 (hg19) VCF-style: chr5-112176504-A-T.
Other names: c.5213A>T, p.His1738Leu (NM_001127510.3, NM_001354895.2); c.5159A>T, p.His1720Leu (NM_001127511.3); c.5267A>T, p.His1756Leu (NM_001354896.2); c.5243A>T, p.His1748Leu (NM_001354897.2); c.5138A>T, p.His1713Leu (NM_001354898.2); c.5129A>T, p.His1710Leu (NM_001354899.2); c.5090A>T, p.His1697Leu (NM_001354900.2); c.5036A>T, p.His1679Leu (NM_001354901.2); and 5 more; short protein forms H1720L, H1738L, H1455L, H1578L, H1612L, H1697L, H1637L, H1647L.
Identifiers: ClinVar variation 489465 (VCV000489465.15), dbSNP rs149882057, ClinGen allele CA16032727.
Genomic context (GRCh38, chr5:112,840,807, plus strand): 5'-CAGAGGAAGGTGATATTCTTGCAGAATGCATTAATTCTGCTATGCCCAAAGGGAAAAGTC[A>T]CAAGCCTTTCCGTGTGAAAAAGATAATGGACCAGGTCCAGCAAGCATCTGCGTCTTCTTC-3'
Protein context (NP_000029.2, residues 1728-1748): INSAMPKGKS[His1738Leu]KPFRVKKIMD

ClinVar aggregate classification (germline): Uncertain significance. Review status: criteria provided, multiple submitters, no conflicts (2 of 4 stars). 4 submissions from 4 submitters: Uncertain significance (4). Last evaluated 2025-10-06.

Conditions:
Familial adenomatous polyposis 1 (FAP1). Also called: POLYPOSIS, ADENOMATOUS INTESTINAL; FAMILIAL ADENOMATOUS POLYPOSIS 1, ATTENUATED. Identifiers: MedGen C2713442, MONDO:0021056, OMIM 175100. Disease mechanism: loss of function.
Hereditary cancer-predisposing syndrome. Also called: Hereditary Cancer Syndrome; Neoplastic Syndromes, Hereditary; Tumor predisposition; Hereditary neoplastic syndrome. Identifiers: Orphanet 140162, MedGen C0027672, MeSH D009386, MONDO:0015356.

Submissions (4):

Ambry Genetics
Classification: Uncertain significance for Hereditary cancer-predisposing syndrome. Last evaluated: 2025-10-06. Review status: criteria provided, single submitter. Criteria: Ambry Variant Classification Scheme 2023. Collection method: clinical testing. Allele origin: germline.
Comment: The p.H1738L variant (also known as c.5213A>T), located in coding exon 15 of the APC gene, results from an A to T substitution at nucleotide position 5213. The histidine at codon 1738 is replaced by leucine, an amino acid with similar properties. This amino acid position is well conserved in available vertebrate species. In addition, in silico predictors for this gene do not accurately predict pathogenicity. Missense alterations in APC are not a common cause of disease (Spier I et al. Genet Med. 2024 Feb;26(2):100992). Based on the available evidence, the clinical significance of this variant remains unclear.

Labcorp Genetics (formerly Invitae), Labcorp
Classification: Uncertain significance for Familial adenomatous polyposis 1. Last evaluated: 2025-01-29. Review status: criteria provided, single submitter. Criteria: Invitae Variant Classification Sherloc (09022015). Collection method: clinical testing. Allele origin: germline.
Comment: This sequence change replaces histidine, which is basic and polar, with leucine, which is neutral and non-polar, at codon 1738 of the APC protein (p.His1738Leu). This variant is not present in population databases (gnomAD no frequency). This variant has not been reported in the literature in individuals affected with APC-related conditions. ClinVar contains an entry for this variant (Variation ID: 489465). Invitae Evidence Modeling of protein sequence and biophysical properties (such as structural, functional, and spatial information, amino acid conservation, physicochemical variation, residue mobility, and thermodynamic stability) indicates that this missense variant is not expected to disrupt APC protein function with a negative predictive value of 95%. In summary, the available evidence is currently insufficient to determine the role of this variant in disease. Therefore, it has been classified as a Variant of Uncertain Significance.

Color Diagnostics, LLC DBA Color Health
Classification: Uncertain significance for Hereditary cancer-predisposing syndrome. Last evaluated: 2024-03-06. Review status: criteria provided, single submitter. Criteria: ACMG Guidelines, 2015. Collection method: clinical testing. Allele origin: germline.
Comment: This missense variant replaces histidine with leucine at codon 1738 of the APC protein. Computational prediction is inconclusive regarding the impact of this variant on protein structure and function (internally defined REVEL score threshold 0.5 < inconclusive < 0.7, PMID: 27666373). To our knowledge, functional studies have not been reported for this variant. This variant has not been reported in individuals affected with APC-related disorders in the literature. This variant has not been identified in the general population by the Genome Aggregation Database (gnomAD). The available evidence is insufficient to determine the role of this variant in disease conclusively. Therefore, this variant is classified as a Variant of Uncertain Significance.

GeneDx
Classification: Uncertain significance. Last evaluated: 2023-02-27. Review status: criteria provided, single submitter. Criteria: GeneDx Variant Classification Process June 2021. Collection method: clinical testing. Allele origin: germline. Affected: yes.
Comment: Not observed at significant frequency in large population cohorts (gnomAD); In silico analysis supports that this missense variant has a deleterious effect on protein structure/function; Has not been previously published as pathogenic or benign to our knowledge; This variant is associated with the following publications: (PMID: 18199528, 28978093)